The following is an entry in ClinVar:

NM_181503.3(EXOSC8):c.13T>C (p.Phe5Leu)

Genes: EXOSC8 (exosome component 8; plus strand), LOC130009581 (ATAC-STARR-seq lymphoblastoid active region 7593; plus strand). Cytogenetic location: 13q13.3.
Variant type: single nucleotide variant.
Coding change: c.13T>C on transcript NM_181503.3 (MANE Select); coding-DNA position 13, T replaced by C.
Protein change: p.Phe5Leu; replaces phenylalanine 5 with leucine.
Molecular consequence: missense variant.
Genome position (GRCh38, 1-based): chr13:37,000,818, T>C. VCF-style: chr13-37000818-T-C. GRCh37 (hg19) VCF-style: chr13-37574955-T-C.
Other names: short protein forms F5L.
Identifiers: ClinVar variation 1027899 (VCV001027899.5), dbSNP rs200881798, ClinGen allele CA6951032.

ClinVar aggregate classification (germline): Conflicting classifications of pathogenicity. Review status: criteria provided, conflicting classifications (1 of 4 stars). 3 submissions from 3 submitters: Uncertain significance (2); Likely benign (1). Last evaluated 2022-08-22.

Conditions:
Pontocerebellar hypoplasia, type 1C. Also called: HYPOMYELINATION WITH SPINAL MUSCULAR ATROPHY AND CEREBELLAR HYPOPLASIA. Identifiers: Orphanet 2254, MedGen C4015160, MONDO:0014485, OMIM 616081.

Allele frequency attached by ClinVar (database versions not stated): gnomAD 0.00002 and 0.00005; TOPMed 0.00003; gnomAD exomes 0.00005 and 0.00015; 1000 Genomes Project 0.00020; ExAC 0.00028; 1000 Genomes Project 30x 0.00031.

Submissions (3):

Labcorp Genetics (formerly Invitae), Labcorp
Classification: Uncertain significance. Last evaluated: 2022-08-22. Review status: criteria provided, single submitter. Criteria: Invitae Variant Classification Sherloc (09022015). Collection method: clinical testing. Allele origin: germline.
Comment: In summary, the available evidence is currently insufficient to determine the role of this variant in disease. Therefore, it has been classified as a Variant of Uncertain Significance. Algorithms developed to predict the effect of missense changes on protein structure and function are either unavailable or do not agree on the potential impact of this missense change (SIFT: "Deleterious"; PolyPhen-2: "Benign"; Align-GVGD: "Class C0"). ClinVar contains an entry for this variant (Variation ID: 1027899). This variant has not been reported in the literature in individuals affected with EXOSC8-related conditions. This variant is present in population databases (rs200881798, gnomAD 0.08%). This sequence change replaces phenylalanine, which is neutral and non-polar, with leucine, which is neutral and non-polar, at codon 5 of the EXOSC8 protein (p.Phe5Leu).

Baylor Genetics
Classification: Uncertain significance for Pontocerebellar hypoplasia, type 1C. Last evaluated: 2019-11-16. Review status: criteria provided, single submitter. Criteria: ACMG Guidelines, 2015. Collection method: clinical testing. Allele origin: unknown. Affected: yes.
Comment: This variant was determined to be of uncertain significance according to ACMG Guidelines, 2015 [PMID:25741868].

Hadassah Hebrew University Medical Center
Classification: Likely benign. Last evaluated: 2019-06-20. Review status: criteria provided, single submitter. Criteria: ACMG Guidelines, 2015. Collection method: clinical testing. Allele origin: germline. Inheritance: Autosomal recessive inheritance. Affected: yes. Observed: 1 heterozygote.